The following is an entry in ClinVar:

ClinVar aggregate classification (germline): Likely benign. Review status: criteria provided, single submitter (1 of 4 stars). 2 submissions from 2 submitters: Likely benign (1). 1 of the submissions does not count toward it. Last evaluated 2022-11-06.

Conditions:
RAB3GAP2-related disorder. Also called: RAB3GAP2-related condition; RAB3GAP2-related disorders.
Martsolf syndrome (MARTS). Also called: Congenital cataract with intellectual disability and hypogonadotropic hypogonadism syndrome. Identifiers: Orphanet 1387, MedGen C0796037, MONDO:0023910.
Warburg micro syndrome 2 (WARBM2). Also called: MICRO SYNDROME 2. Identifiers: Orphanet 2510, MedGen C3280214, MONDO:0013641, OMIM 614225.

Allele frequency attached by ClinVar (database versions not stated): TOPMed 0.00002; gnomAD 0.00004; gnomAD exomes 0.00006; 1000 Genomes Project 30x 0.00016; ExAC 0.00018; 1000 Genomes Project 0.00020.
gnomAD v4.1: 97 of 1,613,260 alleles (0.006%); highest among the groups gnomAD compares: South Asian, 0.1%; no homozygotes.

Submissions (2):

Labcorp Genetics (formerly Invitae), Labcorp
Classification: Likely benign for Martsolf syndrome; Warburg micro syndrome 2. Last evaluated: 2022-11-06. Review status: criteria provided, single submitter. Criteria: Invitae Variant Classification Sherloc (09022015). Collection method: clinical testing. Allele origin: germline.

PreventionGenetics, part of Exact Sciences
Classification: Likely benign for RAB3GAP2-related condition. Last evaluated: 2019-05-10. Review status: no assertion criteria provided. Collection method: clinical testing. Allele origin: germline. Not counted in ClinVar's aggregate classification.
Comment: This variant is classified as likely benign based on ACMG/AMP sequence variant interpretation guidelines (Richards et al. 2015 PMID: 25741868, with internal and published modifications).

NM_012414.4(RAB3GAP2):c.3558A>G (p.Gly1186=)

Gene: RAB3GAP2 (RAB3 GTPase activating non-catalytic protein subunit 2; minus strand). Cytogenetic location: 1q41.
Variant type: single nucleotide variant.
Coding change: c.3558A>G on transcript NM_012414.4 (MANE Select); coding-DNA position 3558, A replaced by G.
Protein change: p.Gly1186=; no amino-acid change (glycine 1186 retained).
Molecular consequence: synonymous variant.
Genome position (GRCh38, 1-based): chr1:220,154,055, T>C on the plus strand (A>G on the coding strand, the complement: RAB3GAP2 is on the minus strand). VCF-style: chr1-220154055-T-C. GRCh37 (hg19) VCF-style: chr1-220327397-T-C.
Other names: c.3558A>G (NM_012414.3).
Identifiers: ClinVar variation 2950120 (VCV002950120.5), dbSNP rs543785834, ClinGen allele CA1402091.
Genomic context (GRCh38, chr1:220,154,055, plus strand): 5'-ATCCATTTCCCCACTAGGTAATAACTGAATTGAAGTTAGGTCTTTGAAAAATGCATTTTT[T>C]CCCTAAAAAGAAAGAGAGCAAGAAAACTGATGAGTGTGGATTATTAAGGGGGGAGAGGGA-3'
Protein context (NP_036546.2, residues 1176-1196): VKPLSLFDSK[Gly1186=]KNAFFKDLTS